The following is an entry in ClinVar:

ClinVar aggregate classification (germline): Uncertain significance (1 of 4 stars; one submission).

Submission:

GeneDx
Classification: Uncertain significance. Last evaluated: 2024-12-31. Review status: criteria provided, single submitter. Criteria: GeneDx Variant Classification Process June 2021. Collection method: clinical testing. Allele origin: germline. Affected: yes.
Comment: Not observed at significant frequency in large population cohorts (gnomAD); In silico analysis indicates that this missense variant does not alter protein structure/function; Has not been previously published as pathogenic or benign to our knowledge

NM_001110556.2(FLNA):c.512G>A (p.Arg171Lys)

Gene: FLNA (filamin A; minus strand). Cytogenetic location: Xq28.
Variant type: single nucleotide variant.
Coding change: c.512G>A on transcript NM_001110556.2 (MANE Select); coding-DNA position 512, G replaced by A.
Protein change: p.Arg171Lys; replaces arginine 171 with lysine.
Molecular consequence: missense variant.
Genome position (GRCh38, 1-based): chrX:154,367,952, C>T on the plus strand (G>A on the coding strand, the complement: FLNA is on the minus strand). VCF-style: chrX-154367952-C-T. GRCh37 (hg19) VCF-style: chrX-153596320-C-T.
Other names: c.512G>A, p.Arg171Lys (NM_001456.4); short protein forms R171K.
Identifiers: ClinVar variation 1700467 (VCV001700467.3), dbSNP rs2148119403, ClinGen allele CA415249732.
Genomic context (GRCh38, chrX:154,367,952, plus strand): 5'-TCCCGGCTGAAGTTGGTGATGGGCAGCTGCGGCAGCTTGTTCTGGATCCAGCCCAGGAGC[C>T]TCTGCTTGGGGGTCTGCTTCTTGGCCTCCTCATCCTCCTCCTCGTCCCACATGGGCATGG-3'
Protein context (NP_001104026.1, residues 161-181): EEAKKQTPKQ[Arg171Lys]LLGWIQNKLP